The following is an entry in ClinVar:

ClinVar aggregate classification (germline): Uncertain significance. Review status: criteria provided, multiple submitters, no conflicts (2 of 4 stars). 3 submissions from 3 submitters: Uncertain significance (3). Last evaluated 2021-09-07.

Conditions:
Early-onset myopathy with fatal cardiomyopathy (CMYO5). Also called: Salih Myopathy; CONGENITAL MYOPATHY 5 WITH CARDIOMYOPATHY. Identifiers: Orphanet 289377, MedGen C2673677, MONDO:0012714, OMIM 611705. Disease mechanism: loss of function.
Autosomal recessive limb-girdle muscular dystrophy type 2J (LGMDR10). Also called: Limb-girdle muscular dystrophy, type 2J; MUSCULAR DYSTROPHY, LIMB-GIRDLE, AUTOSOMAL RECESSIVE 10. Identifiers: Orphanet 140922, MedGen C1837342, MONDO:0012127, OMIM 608807.
Myopathy, myofibrillar, 9, with early respiratory failure (MFM9). Also called: EDSTROM MYOPATHY; MYOPATHY, PROXIMAL, WITH EARLY RESPIRATORY MUSCLE INVOLVEMENT; Myopathy, distal, with early respiratory failure, autosomal dominant; Hereditary myopathy with early respiratory failure. Identifiers: Orphanet 178464, Orphanet 34521, MedGen C1863599, MONDO:0011362, OMIM 603689.
Dilated cardiomyopathy 1G (CMD1G). Identifiers: Orphanet 154, MedGen C1858763, MONDO:0011400, OMIM 604145.
Tibial muscular dystrophy (TMD). Also called: Tibial muscular dystrophy, tardive; UDD MYOPATHY; Udd Distal Myopathy – Tibial Muscular Dystrophy. Identifiers: Orphanet 609, MedGen C1838244, MONDO:0010870, OMIM 600334.
Hypertrophic cardiomyopathy 9. Also called: Familial hypertrophic cardiomyopathy 9. Identifiers: MedGen C1861065, MONDO:0013412, OMIM 613765.

Allele frequency attached by ClinVar (database versions not stated): gnomAD exomes below 0.00001 and 0.00001; TOPMed 0.00001.
gnomAD v4.1: 3 of 1,612,604 alleles (0.00019%); highest among the groups gnomAD compares: Non-Finnish European, 0.00025%; no homozygotes.

Submissions (3):

Fulgent Genetics
Classification: Uncertain significance for Tibial muscular dystrophy; Myopathy, myofibrillar, 9, with early respiratory failure; Dilated cardiomyopathy 1G; Autosomal recessive limb-girdle muscular dystrophy type 2J; Early-onset myopathy with fatal cardiomyopathy; Hypertrophic cardiomyopathy 9. Last evaluated: 2021-09-07. Review status: criteria provided, single submitter. Criteria: ACMG Guidelines, 2015. Collection method: clinical testing. Allele origin: unknown.

CeGaT Center for Human Genetics Tuebingen
Classification: Uncertain significance. Last evaluated: 2017-08-01. Review status: criteria provided, single submitter. Criteria: CeGaT Center For Human Genetics Tuebingen Variant Classification Criteria Version 2. Collection method: clinical testing. Allele origin: germline. Affected: yes. Observed: 1 variant allele.

GeneDx
Classification: Uncertain significance. Last evaluated: 2014-07-28. Review status: criteria provided, single submitter. Criteria: GeneDx Variant Classification (06012015). Collection method: clinical testing. Allele origin: germline. Affected: yes.
Comment: p.Glu5511Stop (GAA>TAA): c.16531 G>T in exon 46 of the TTN gene (#NM_133379.3). A variant of unknown significance has been identified in the TTN gene. The E5511X variant has not been published as a mutation, nor has it been reported as a benign polymorphism to our knowledge. The E5511X variant was not observed in approximately 6,500 individuals of European and African American ancestry in the NHLBI Exome Sequencing Project, indicating it is not a common benign variant in these populations. E5511X is located in an alternate transcript of the TTN gene (novex-3), which is expressed in both heart and skeletal muscle. E5511X is predicted to cause loss of normal protein function either by protein truncation or nonsense-mediated mRNA decay. However, truncating variants in the TTN gene have been reported in approximately 3% of reported control alleles (Herman D et al., 2012). Furthermore, E5511X is not located in the A-band region of titin, where the majority of truncating mutations associated with DCM have been reported (Herman D et al., 2012).Therefore, based on the currently available information, it is unclear whether this variant is a pathogenic mutation or a rare benign variant. The variant is found in DCM-CRDM panel(s).

NM_133379.5(TTN):c.16531G>T (p.Glu5511Ter)

Gene: TTN (titin; minus strand). Cytogenetic location: 2q31.2.
Variant type: single nucleotide variant.
Coding change: c.16531G>T on transcript NM_133379.5; coding-DNA position 16531, G replaced by T.
Protein change: p.Glu5511Ter; replaces glutamic acid 5511 with a stop codon.
Molecular consequence: nonsense. On other transcripts: intron variant (6).
Genome position (GRCh38, 1-based): chr2:178,745,869, C>A on the plus strand (G>T on the coding strand, the complement: TTN is on the minus strand). VCF-style: chr2-178745869-C-A. GRCh37 (hg19) VCF-style: chr2-179610596-C-A.
Other names: p.E5511*:GAA>TAA; c.10223-3948G>T (NM_003319.4); c.10799-3948G>T (NM_133437.4); c.10598-3948G>T (NM_133432.3); c.10360+7255G>T (NM_133378.4); c.10361-3948G>T (NM_001256850.1); c.11312-3948G>T (NM_001267550.2); short protein forms E5511*.
Identifiers: ClinVar variation 202431 (VCV000202431.45), dbSNP rs794729307, ClinGen allele CA309380.